The following is an entry in ClinVar:

NM_000091.5(COL4A3):c.3188G>A (p.Arg1063Lys)

Genes: COL4A3 (collagen type IV alpha 3 chain; plus strand), MFF-DT (MFF divergent transcript; minus strand). Cytogenetic location: 2q36.3.
Variant type: single nucleotide variant.
Coding change: c.3188G>A on transcript NM_000091.5 (MANE Select); coding-DNA position 3188, G replaced by A.
Protein change: p.Arg1063Lys; replaces arginine 1063 with lysine.
Molecular consequence: missense variant.
Genome position (GRCh38, 1-based): chr2:227,290,864, G>A. VCF-style: chr2-227290864-G-A. GRCh37 (hg19) VCF-style: chr2-228155580-G-A.
Other names: short protein forms R1063K.
Identifiers: ClinVar variation 3370216 (VCV003370216.1).

ClinVar aggregate classification (germline): Uncertain significance (1 of 4 stars; one submission).

Submission:

GeneDx
Classification: Uncertain significance. Last evaluated: 2024-01-04. Review status: criteria provided, single submitter. Criteria: GeneDx Variant Classification Process June 2021. Collection method: clinical testing. Allele origin: germline. Affected: yes.
Comment: In silico analysis supports that this missense variant does not alter protein structure/function; Occurs in the triple helical domain within an interruption of the canonical Gly-X-Y repeat; Has not been previously published as pathogenic or benign to our knowledge